The following is an entry in ClinVar:

NM_002528.7(NTHL1):c.355-5A>G

Gene: NTHL1 (nth like DNA glycosylase 1; minus strand). Cytogenetic location: 16p13.3.
Variant type: single nucleotide variant.
Coding change: c.355-5A>G on transcript NM_002528.7 (MANE Select); 5 bases into the intron before coding-DNA position 355, A replaced by G.
Molecular consequence: intron variant.
Genome position (GRCh38, 1-based): chr16:2,044,805, T>C on the plus strand (A>G on the coding strand, the complement: NTHL1 is on the minus strand). VCF-style: chr16-2044805-T-C. GRCh37 (hg19) VCF-style: chr16-2094806-T-C.
Other names: c.25-5A>G (NM_001318194.2); c.355-1079A>G (NM_001318193.2).
Identifiers: ClinVar variation 4661967 (VCV004661967.2).

ClinVar aggregate classification (germline): Uncertain significance. Review status: criteria provided, multiple submitters, no conflicts (2 of 4 stars). 2 submissions from 2 submitters: Uncertain significance (2). Last evaluated 2025-12-26.

Conditions:
Hereditary cancer-predisposing syndrome. Also called: Neoplastic Syndromes, Hereditary; Tumor predisposition; Hereditary Cancer Syndrome; Hereditary neoplastic syndrome. Identifiers: Orphanet 140162, MedGen C0027672, MeSH D009386, MONDO:0015356.

Submissions (2):

Labcorp Genetics (formerly Invitae), Labcorp
Classification: Uncertain significance. Last evaluated: 2025-12-26. Review status: criteria provided, single submitter. Criteria: Invitae Variant Classification Sherloc (09022015). Collection method: clinical testing. Allele origin: germline.
Comment: This sequence change falls in intron 2 of the NTHL1 gene. It does not directly change the encoded amino acid sequence of the NTHL1 protein. This variant is not present in population databases (gnomAD no frequency). This variant has not been reported in the literature in individuals affected with NTHL1-related conditions. Algorithms developed to predict the effect of sequence changes on RNA splicing suggest that this variant may disrupt the consensus splice site. In summary, the available evidence is currently insufficient to determine the role of this variant in disease. Therefore, it has been classified as a Variant of Uncertain Significance.

Ambry Genetics
Classification: Uncertain significance for Hereditary cancer-predisposing syndrome. Last evaluated: 2025-10-06. Review status: criteria provided, single submitter. Criteria: Ambry Variant Classification Scheme 2023. Collection method: clinical testing. Allele origin: germline.
Comment: The c.379-5A>G intronic variant results from an A to G substitution 5 nucleotides upstream from coding exon 3 in the NTHL1 gene. This nucleotide position is well conserved in available vertebrate species. In silico splice site analysis predicts that this alteration will result in the creation or strengthening of a novel splice acceptor site; however, direct evidence is insufficient at this time (Ambry internal data). Based on the available evidence, the clinical significance of this variant remains unclear.